The following is an entry in ClinVar:

ClinVar aggregate classification (germline): Likely benign (1 of 4 stars; one submission).

Allele frequency attached by ClinVar (database versions not stated): ESP Exome Variant Server 0.00008; gnomAD 0.00012; TOPMed 0.00016; gnomAD exomes 0.00019; ExAC 0.00025.

Submission:

CeGaT Center for Human Genetics Tuebingen
Classification: Likely benign. Last evaluated: 2026-03-01. Review status: criteria provided, single submitter. Criteria: CeGaT Center For Human Genetics Tuebingen Variant Classification Criteria Version 2. Collection method: clinical testing. Allele origin: germline. Affected: yes. Observed: 4 variant alleles.
Comment: POLR2A: BP4, BP7

NM_000937.5(POLR2A):c.492C>T (p.Phe164=)

Gene: POLR2A (RNA polymerase II subunit A; plus strand). Cytogenetic location: 17p13.1.
Variant type: single nucleotide variant.
Coding change: c.492C>T on transcript NM_000937.5 (MANE Select); coding-DNA position 492, C replaced by T.
Protein change: p.Phe164=; no amino-acid change (phenylalanine 164 retained).
Molecular consequence: synonymous variant.
Genome position (GRCh38, 1-based): chr17:7,496,568, C>T. VCF-style: chr17-7496568-C-T. GRCh37 (hg19) VCF-style: chr17-7399887-C-T.
Identifiers: ClinVar variation 2570971 (VCV002570971.27), dbSNP rs368365915, ClinGen allele CA8349190.